The following is an entry in ClinVar:

ClinVar aggregate classification (germline): Pathogenic (1 of 4 stars; one submission).

Submission:

Labcorp Genetics (formerly Invitae), Labcorp
Classification: Pathogenic. Last evaluated: 2023-10-18. Review status: criteria provided, single submitter. Criteria: Invitae Variant Classification Sherloc (09022015). Collection method: clinical testing. Allele origin: unknown.
Comment: This variant is a gross deletion of the genomic region encompassing exon(s) 9-18 of the PCDH15 gene. This variant would be expected to be in-frame, preserving the integrity of the reading frame. A similar copy number variant has been observed in individual(s) with Usher syndrome (PMID: 22135276). This variant disrupts a region of the PCDH15 protein in which other variant(s) (p.Val528Asp) have been determined to be pathogenic (PMID: 19107147). This suggests that this is a clinically significant region of the protein, and that variants that disrupt it are likely to be disease-causing. For these reasons, this variant has been classified as Pathogenic.

Literature cited by the submitters: PubMed 22135276; PubMed 19107147.

NC_000010.10:g.(?_55826497)_(55996711_?)del

Gene: PCDH15 (protocadherin related 15; minus strand). Cytogenetic location: 10q21.1.
Variant type: Deletion.
Identifiers: ClinVar variation 3245031 (VCV003245031.1).